The following is an entry in ClinVar:

NM_000518.5(HBB):c.262A>C (p.Thr88Pro)

Genes: HBB (hemoglobin subunit beta; minus strand), LOC106099062 (HBB recombination region; plus strand), LOC107133510 (origin of replication at HBB; plus strand). Cytogenetic location: 11p15.4.
Variant type: single nucleotide variant.
Coding change: c.262A>C on transcript NM_000518.5 (MANE Select); coding-DNA position 262, A replaced by C.
Protein change: p.Thr88Pro; replaces threonine 88 with proline.
Molecular consequence: missense variant.
Genome position (GRCh38, 1-based): chr11:5,226,630, T>G on the plus strand (A>C on the coding strand, the complement: HBB is on the minus strand). VCF-style: chr11-5226630-T-G. GRCh37 (hg19) VCF-style: chr11-5247860-T-G.
Other names: T87P; short protein forms T88P.
Identifiers: ClinVar variation 15489 (VCV000015489.16), dbSNP rs35553496, ClinGen allele CA125348.

ClinVar aggregate classification (germline): Benign/Likely benign. Review status: criteria provided, multiple submitters, no conflicts (2 of 4 stars). 6 submissions from 6 submitters: Benign (1); Likely benign (4). 1 of the submissions does not count toward it. Last evaluated 2025-02-20.

Conditions:
Hb SS disease (SCD). Also called: Hemoglobin SS; Sickle cell anemia; Sickle cell disease; HbS disease; Hemoglobin S Disease; Sickling disorder due to hemoglobin S. Identifiers: Orphanet 232, Orphanet 275752, MedGen C0002895, MONDO:0011382, OMIM 603903.
Heinz body anemia. Also called: Heinz body hemolytic anemia. Identifiers: Orphanet 178330, MedGen C0700299, MONDO:0007705, OMIM 140700, HP:0005511.
alpha Thalassemia. Also called: Alpha thalassemia spectrum. Identifiers: Orphanet 846, MedGen C0002312, MONDO:0011399, OMIM 604131.
Dominant beta-thalassemia. Also called: Beta-thalassemia, dominant inclusion body type. Identifiers: Orphanet 231226, Orphanet 848, MedGen C1858990, MONDO:0011381, OMIM 603902.
Beta-thalassemia HBB/LCRB. Identifiers: MedGen CN322236, MONDO:0013517, OMIM 613985.
Erythrocytosis, familial, 6. Also called: POLYCYTHEMIA, BETA-GLOBIN TYPE; ERYTHROCYTOSIS, BETA-GLOBIN TYPE. Identifiers: MedGen C4693822, MONDO:0054801, OMIM 617980.
METHEMOGLOBINEMIA, BETA TYPE. Also called: Methemoglobinemia, beta-globin type. Identifiers: MedGen C1840779, OMIM 617971.
Malaria, susceptibility to. Identifiers: Orphanet 673, MedGen C1970028, MONDO:0021024, OMIM 611162.
Hereditary persistence of fetal hemoglobin. Identifiers: MedGen C0019025, MONDO:0020989, OMIM 141749.
HEMOGLOBIN VALLETTA.
beta Thalassemia (BTHAL). Also called: Cooley's anemia; Erythroblastic anemia; Mediterranean anemia. Identifiers: Orphanet 848, MedGen C0005283, MONDO:0019402. Disease mechanism: loss of function.

Allele frequency attached by ClinVar (database versions not stated): gnomAD 0.00002; ExAC 0.00004; gnomAD exomes 0.00002 and 0.00007; ESP Exome Variant Server 0.00008.
gnomAD v4.1: 98 of 1,613,996 alleles (0.0061%); highest among the groups gnomAD compares: Middle Eastern, 0.016%; no homozygotes.

Submissions (6):

Women's Health and Genetics/Laboratory Corporation of America, LabCorp
Classification: Likely benign. Last evaluated: 2025-02-20. Review status: criteria provided, single submitter. Criteria: LabCorp Variant Classification Summary - May 2015. Collection method: clinical testing. Allele origin: germline.
Comment: Variant summary: HBB c.262A>C (p.Thr88Pro) results in a non-conservative amino acid change in the encoded protein sequence. Four of five in-silico tools predict a benign effect of the variant on protein function. The variant allele was found at a frequency of 3.2e-05 in 252054 control chromosomes. The available data on variant occurrences in the general population are insufficient to allow any conclusion about variant significance. The variant is found in 1.8% of the Maltese population (Kutlar_1991) and happens to be in tight linkage disequilibrium with the fetal Hb variant Hb F-Malta-I (HBG2 c.353A>G (p.His118Arg)). The variant has been reported in individuals in compound heterozygosity with a beta-thal causing variant (c.93+6T>C) whose hematological findings were similar to those detected in a simple heterozygous state (thalassemia trait), providing supportive evidence for a benign role (Scerri_1993). At least one publication, Kutlar_1991, reported heat stability experiments on mixtures of equal quantities of Hb A and Hb Valletta and on red cell lysates of two adult Hb Valletta heterozygotes, and showed normal stability. The following publications have been ascertained in the context of this evaluation (PMID: 21194254, 20353354, 17145605, 1709134, 19092326, 9028827, 8518184). ClinVar contains an entry for this variant (Variation ID: 15489). Based on the evidence outlined above, the variant was classified as likely benign.

Blueprint Genetics
Classification: Likely benign. Last evaluated: 2024-09-18. Review status: criteria provided, single submitter. Criteria: ACMG Guidelines, 2015. Collection method: clinical testing. Allele origin: germline.

Fulgent Genetics
Classification: Likely benign for Heinz body anemia; Hereditary persistence of fetal hemoglobin; Dominant beta-thalassemia; Hb SS disease; alpha Thalassemia; Malaria, susceptibility to; Beta-thalassemia HBB/LCRB; METHEMOGLOBINEMIA, BETA TYPE; Erythrocytosis, familial, 6. Last evaluated: 2021-12-30. Review status: criteria provided, single submitter. Criteria: ACMG Guidelines, 2015. Collection method: clinical testing. Allele origin: unknown.

Mendelics
Classification: Benign for Beta-thalassemia HBB/LCRB. Last evaluated: 2019-05-28. Review status: criteria provided, single submitter. Criteria: Mendelics Assertion Criteria 2017. Collection method: clinical testing. Allele origin: unknown.

ARUP Laboratories, Molecular Genetics and Genomics, ARUP Laboratories
Classification: Likely benign. Last evaluated: 2018-08-27. Review status: criteria provided, single submitter. Criteria: ARUP Molecular Germline Variant Investigation Process. Collection method: clinical testing. Allele origin: germline.
Comment: The HBB c.262A>C; Thr87Pro variant, also known as Hb Valletta, is reported in the literature, typically in linkage to the Hb F-Malta-I variant, in individuals affected with beta-thalassemia (Perrinello 2008, Scerri 1993) and in healthy individuals (Giambona 2006, Kutlar 1991, HbVar database and references therein). One individual with beta-thalassemia who carried the Thr87Pro variant was also homozygous for a pathogenic HBB variant (Parrinello 2008). Heat stability assays on Thr87Pro variant protein indicate this variant has normal stability (Kutlar 1991). The variant is listed ClinVar (Variation ID: 15489) and is found in the non-Finnish European population on six chromosomes in the Genome Aggregation Database. The threonine at residue 87 is weakly conserved, but computational analyses (SIFT: damaging, PolyPhen-2: benign) predict conflicting effects of this variant on protein structure/function. Based on available information, the variant is considered likely benign. References: Link to HbVar database for Hb Valletta: Giambona A et al. Analysis of delta-globin gene alleles in the Sicilian population: identification of five new mutations. Haematologica. 2006 Dec;91(12):1681-4. Kutlar F et al. The linkage of Hb Valletta [alpha 2 beta 287(f3)Thr----Pro] and Hb F-Malta-I [alpha 2G gamma 2117(G19)His----Arg] in the Maltese population. Hum Genet. 1991 Apr;86(6):591-4. Perrinello G et al. Fever of unclear origin and cytopenia because of acute splenic sequestration in a young immunocompetent carrier of beta-globin mutation for Hb Valletta. Am J Med Sci. 2008 Dec;336(6):508-11. Scerri CA et al. The beta + IVS, I-NT no. 6 (T --> C) thalassaemia in heterozygotes with an associated Hb Valletta or Hb S heterozygosity in homozygotes from Malta. Br J Haematol. 1993 Apr;83(4):669-71.

OMIM
Classification: other for HEMOGLOBIN VALLETTA. Last evaluated: 2017-12-12. Review status: no assertion criteria provided. Collection method: literature only. Allele origin: germline. Not counted in ClinVar's aggregate classification.

Literature cited by the submitters: PubMed 9028827 (cited by Women's Health and Genetics/Laboratory Corporation of America, LabCorp); PubMed 8518184 (cited by Women's Health and Genetics/Laboratory Corporation of America, LabCorp); PubMed 1709134 (cited by Women's Health and Genetics/Laboratory Corporation of America, LabCorp and OMIM); PubMed 17145605 (cited by Women's Health and Genetics/Laboratory Corporation of America, LabCorp); PubMed 21194254 (cited by Women's Health and Genetics/Laboratory Corporation of America, LabCorp); PubMed 20353354 (cited by Women's Health and Genetics/Laboratory Corporation of America, LabCorp); PubMed 19092326 (cited by Women's Health and Genetics/Laboratory Corporation of America, LabCorp).